The following is an entry in ClinVar:

ClinVar aggregate classification (germline): Uncertain significance (1 of 4 stars; one submission).

gnomAD v4.1: 12 of 1,614,060 alleles (0.00074%); highest among the groups gnomAD compares: Middle Eastern, 0.033%; no homozygotes.

Submission:

CeGaT Center for Human Genetics Tuebingen
Classification: Uncertain significance. Last evaluated: 2025-05-01. Review status: criteria provided, single submitter. Criteria: CeGaT Center For Human Genetics Tuebingen Variant Classification Criteria Version 2. Collection method: clinical testing. Allele origin: germline. Affected: yes. Observed: 1 variant allele.
Comment: LRIT1: PM2, BP4

NM_015613.3(LRIT1):c.789C>G (p.Ile263Met)

Gene: LRIT1 (leucine rich repeat, Ig-like and transmembrane domains 1; minus strand). Cytogenetic location: 10q23.1.
Variant type: single nucleotide variant.
Coding change: c.789C>G on transcript NM_015613.3 (MANE Select); coding-DNA position 789, C replaced by G.
Protein change: p.Ile263Met; replaces isoleucine 263 with methionine.
Molecular consequence: missense variant.
Genome position (GRCh38, 1-based): chr10:84,234,179, G>C on the plus strand (C>G on the coding strand, the complement: LRIT1 is on the minus strand). VCF-style: chr10-84234179-G-C. GRCh37 (hg19) VCF-style: chr10-85993935-G-C.
Other names: short protein forms I263M.
Identifiers: ClinVar variation 3905600 (VCV003905600.10).